The following is an entry in ClinVar:

ClinVar aggregate classification (germline): Uncertain significance (1 of 4 stars; one submission).

Conditions:
Wilson-Turner syndrome (WTS). Also called: INTELLECTUAL DEVELOPMENTAL DISORDER, X-LINKED, SYNDROMIC, WILSON-TURNER TYPE; MENTAL RETARDATION, X-LINKED, SYNDROMIC 6. Identifiers: Orphanet 3459, MedGen C1839736, MONDO:0010665, OMIM 309585.

Submission:

New York Genome Center
Classification: Uncertain significance for Wilson-Turner syndrome. Last evaluated: 2021-06-04. Review status: criteria provided, single submitter. Criteria: NYGC Assertion Criteria 2020. Collection method: clinical testing. Allele origin: inherited. Observed: 1 variant allele. Study: CSER-NYCKidSeq.
Comment: This exact ~444Kb interstitial duplication identified on Xq11.2-q12 is not reported in the literature to the best of our knowledge. A similar sized duplication has 0.0003162 allele frequency in the gnomAD SVs v2.1 database (Total allele number = 15,814. Individuals with heterozygous duplication = 2, individuals with hemizygousduplication = 3, individuals with homozygous duplication = none). Based on the available evidence, the inherited ~444Kb interstitial duplication identified on Xq11.2-q12 is reported as a variant of uncertain significance.

Single allele

Genes: LAS1L (LAS1 like ribosome biogenesis factor; minus strand), ZC3H12B (zinc finger CCCH-type containing 12B; plus strand), LOC113875034 (Sharpr-MPRA regulatory region 9838; plus strand), LOC130068375 (ATAC-STARR-seq lymphoblastoid active region 29713; plus strand). Cytogenetic location: Xq11.2-12.
Variant type: Duplication.
Identifiers: ClinVar variation 1679798 (VCV001679798.1).